The following is an entry in ClinVar:

NM_002778.4(PSAP):c.577-1G>T

Gene: PSAP (prosaposin; minus strand). Cytogenetic location: 10q22.1.
Variant type: single nucleotide variant.
Coding change: c.577-1G>T on transcript NM_002778.4 (MANE Select); the canonical splice acceptor site of the intron before coding-DNA position 577, G replaced by T.
Molecular consequence: splice acceptor variant.
Genome position (GRCh38, 1-based): chr10:71,828,158, C>A on the plus strand (G>T on the coding strand, the complement: PSAP is on the minus strand). VCF-style: chr10-71828158-C-A. GRCh37 (hg19) VCF-style: chr10-73587915-C-A.
Other names: IVS5AS, G-T, -1; c.577-1G>T (NM_002778.3, NM_001042466.3, NM_001042465.3).
Identifiers: ClinVar variation 13366 (VCV000013366.6), dbSNP rs1589451049, ClinGen allele CA377151647.
Genomic context (GRCh38, chr10:71,828,158, plus strand): 5'-TACAGCAGTCTGGATGTCAGTCACCATCTGAATGCAGTCCTGGCAAACGTCCCCATTATC[C>A]TACAGAAGAGGCAGTTAGGTTTGCAACTTAAGAGGACTCAAATTCCTAGGAAAACGTCCT-3'

ClinVar aggregate classification (germline): Pathogenic. Review status: criteria provided, multiple submitters, no conflicts (2 of 4 stars). 4 submissions from 4 submitters: Pathogenic (3). 1 of the submissions does not count toward it. Last evaluated 2024-10-16.

Conditions:
Parkinson disease 24, autosomal dominant, susceptibility to. Identifiers: MedGen C5561969, MONDO:0859183, OMIM 619491.
Sphingolipid activator protein 1 deficiency. Also called: METACHROMATIC LEUKODYSTROPHY DUE TO CEREBROSIDE SULFATASE ACTIVATOR DEFICIENCY; Saposin B Deficiency; Metachromatic leukodystrophy due to saposin B deficiency. Identifiers: Orphanet 512, MedGen C0268262, MONDO:0009590, OMIM 249900.
Metachromatic leukodystrophy (MLD). Also called: ARSA DEFICIENCY; CEREBROSIDE SULFATASE DEFICIENCY; SULFATIDE LIPIDOSIS; METACHROMATIC LEUKOENCEPHALOPATHY; Cerebral sclerosis diffuse metachromatic form; Arylsulfatase A Deficiency. Identifiers: Orphanet 512, MedGen C0023522, MONDO:0018868, OMIM 250100.

gnomAD v4.1: 2 of 1,614,154 alleles (0.00012%); no homozygotes.

Submissions (4):

Natera, Inc.
Classification: Pathogenic for Metachromatic leukodystrophy. Last evaluated: 2024-10-16. Review status: criteria provided, single submitter. Criteria: Natera Variant Classification Schema (03/2026). Collection method: clinical testing. Allele origin: germline.
Comment: The c.577-1G>T variant in PSAP is a canonical splice acceptor site variant predicted to affect pre-mRNA splicing, which may result in an abnormal transcript and altered protein product. This variant is expected to result in nonsense mediated decay, truncation, or a dysfunctional protein product. This variant is rare in the general population with a frequency below the threshold expected for the associated phenotype(s). This variant has been observed in one or more individuals affected with the associated recessive disease, as either homozygous or compound heterozygous with a second variant (PMID: 18693274). Another variant at this same site results in an alteration predicted to cause a similar molecular effect has been observed in individual(s) with the associated phenotype. Given the available evidence, this variant is classified as Pathogenic.

Labcorp Genetics (formerly Invitae), Labcorp
Classification: Pathogenic for Sphingolipid activator protein 1 deficiency. Last evaluated: 2024-09-10. Review status: criteria provided, single submitter. Criteria: Invitae Variant Classification Sherloc (09022015). Collection method: clinical testing. Allele origin: germline.
Comment: This sequence change affects an acceptor splice site in intron 5 of the PSAP gene. It is expected to disrupt RNA splicing. Variants that disrupt the donor or acceptor splice site typically lead to a loss of protein function (PMID: 16199547), and loss-of-function variants in PSAP are known to be pathogenic (PMID: 8554069, 11309366, 17616409, 19267410, 30632081). This variant is not present in population databases (gnomAD no frequency). Disruption of this splice site has been observed in individuals with combined saposin deficiency (PMID: 8554069, 26462614). ClinVar contains an entry for this variant (Variation ID: 13366). Studies have shown that disruption of this splice site is associated with inconclusive levels of altered splicing (PMID: 8554069). For these reasons, this variant has been classified as Pathogenic.

Department of Pathology and Laboratory Medicine, Sinai Health System
Classification: Pathogenic for Parkinson disease 24, autosomal dominant, susceptibility to. Last evaluated: 2023-02-13. Review status: criteria provided, single submitter. Criteria: ACMG Guidelines, 2015. Collection method: research. Allele origin: germline.

OMIM
Classification: Pathogenic for METACHROMATIC LEUKODYSTROPHY DUE TO SAPOSIN B DEFICIENCY. Last evaluated: 1996-01-01. Review status: no assertion criteria provided. Collection method: literature only. Allele origin: germline. Not counted in ClinVar's aggregate classification.

Literature cited by the submitters: PubMed 18693274 (cited by Natera, Inc.); PubMed 16199547 (cited by Labcorp Genetics (formerly Invitae), Labcorp); PubMed 8554069 (cited by Labcorp Genetics (formerly Invitae), Labcorp and OMIM); PubMed 11309366 (cited by Labcorp Genetics (formerly Invitae), Labcorp); PubMed 17616409 (cited by Labcorp Genetics (formerly Invitae), Labcorp); PubMed 19267410 (cited by Labcorp Genetics (formerly Invitae), Labcorp); PubMed 30632081 (cited by Labcorp Genetics (formerly Invitae), Labcorp); PubMed 26462614 (cited by Labcorp Genetics (formerly Invitae), Labcorp).